The following is an entry in ClinVar:

NM_000256.3(MYBPC3):c.1094T>A (p.Phe365Tyr)

Gene: MYBPC3 (myosin binding protein C3; minus strand). Cytogenetic location: 11p11.2.
Variant type: single nucleotide variant.
Coding change: c.1094T>A on transcript NM_000256.3 (MANE Select); coding-DNA position 1094, T replaced by A.
Protein change: p.Phe365Tyr; replaces phenylalanine 365 with tyrosine.
Molecular consequence: missense variant.
Genome position (GRCh38, 1-based): chr11:47,343,621, A>T on the plus strand (T>A on the coding strand, the complement: MYBPC3 is on the minus strand). VCF-style: chr11-47343621-A-T. GRCh37 (hg19) VCF-style: chr11-47365172-A-T.
Other names: short protein forms F365Y.
Identifiers: ClinVar variation 3901606 (VCV003901606.1).

ClinVar aggregate classification (germline): Uncertain significance (1 of 4 stars; one submission).

Submission:

GeneDx
Classification: Uncertain significance. Last evaluated: 2024-11-27. Review status: criteria provided, single submitter. Criteria: GeneDx Variant Classification Process June 2021. Collection method: clinical testing. Allele origin: germline. Affected: yes.
Comment: Not observed at significant frequency in large population cohorts (gnomAD); In silico analysis supports that this missense variant has a deleterious effect on protein structure/function; Has not been previously published as pathogenic or benign to our knowledge; In silico analysis is inconclusive as to whether the variant alters gene splicing. In the absence of RNA/functional studies, the actual effect of this sequence change is unknown.